The following is an entry in ClinVar:

NM_018433.6(KDM3A):c.3111A>G (p.Glu1037=)

Gene: KDM3A (lysine demethylase 3A; plus strand). Cytogenetic location: 2p11.2.
Variant type: single nucleotide variant.
Coding change: c.3111A>G on transcript NM_018433.6 (MANE Select); coding-DNA position 3111, A replaced by G.
Protein change: p.Glu1037=; no amino-acid change (glutamic acid 1037 retained).
Molecular consequence: synonymous variant.
Genome position (GRCh38, 1-based): chr2:86,484,958, A>G. VCF-style: chr2-86484958-A-G. GRCh37 (hg19) VCF-style: chr2-86712081-A-G.
Other names: c.3111A>G, p.Glu1037= (NM_001146688.2).
Identifiers: ClinVar variation 3043261 (VCV003043261.2), dbSNP rs148246875, ClinGen allele CA1749846.

ClinVar aggregate classification (germline): Benign (0 of 4 stars; one submission).

Conditions:
KDM3A-related disorder. Also called: KDM3A-related condition.

Allele frequency attached by ClinVar (database versions not stated): TOPMed 0.00018; ESP Exome Variant Server 0.00031; gnomAD exomes 0.00098; gnomAD 0.00181; ExAC 0.00191.
gnomAD v4.1: 1,706 of 1,606,168 alleles (0.11%); highest among the groups gnomAD compares: Non-Finnish European, 0.024%; 17 homozygotes.

Submission:

PreventionGenetics, part of Exact Sciences
Classification: Benign for KDM3A-related condition. Last evaluated: 2019-07-01. Review status: no assertion criteria provided. Collection method: clinical testing. Allele origin: germline.
Comment: This variant is classified as benign based on ACMG/AMP sequence variant interpretation guidelines (Richards et al. 2015 PMID: 25741868, with internal and published modifications).